The following is an entry in ClinVar:

ClinVar aggregate classification (germline): Likely benign. Review status: criteria provided, single submitter (1 of 4 stars). 2 submissions from 2 submitters: Likely benign (1). 1 of the submissions does not count toward it. Last evaluated 2023-11-01.

Conditions:
IFT172-related disorder. Also called: IFT172-related condition; IFT172-related disorders.
Short-rib thoracic dysplasia 10 with or without polydactyly (SRTD10). Identifiers: Orphanet 474, MedGen C3810175, MONDO:0014284, OMIM 615630.
Retinitis pigmentosa 71 (RP71). Identifiers: Orphanet 791, MedGen C4225342, MONDO:0014618, OMIM 616394.

Allele frequency attached by ClinVar (database versions not stated): ExAC 0.00001; gnomAD exomes 0.00001.

Submissions (2):

Labcorp Genetics (formerly Invitae), Labcorp
Classification: Likely benign for Retinitis pigmentosa 71; Short-rib thoracic dysplasia 10 with or without polydactyly. Last evaluated: 2023-11-01. Review status: criteria provided, single submitter. Criteria: Invitae Variant Classification Sherloc (09022015). Collection method: clinical testing. Allele origin: germline.

PreventionGenetics, part of Exact Sciences
Classification: Likely benign for IFT172-related condition. Last evaluated: 2020-09-22. Review status: no assertion criteria provided. Collection method: clinical testing. Allele origin: germline. Not counted in ClinVar's aggregate classification.
Comment: This variant is classified as likely benign based on ACMG/AMP sequence variant interpretation guidelines (Richards et al. 2015 PMID: 25741868, with internal and published modifications).

NM_015662.3(IFT172):c.2751C>T (p.Leu917=)

Genes: IFT172 (intraflagellar transport 172; minus strand), LOC126806174 (CDK7 strongly-dependent group 2 enhancer GRCh37_chr2:27681686-27682885; plus strand). Cytogenetic location: 2p23.3.
Variant type: single nucleotide variant.
Coding change: c.2751C>T on transcript NM_015662.3 (MANE Select); coding-DNA position 2751, C replaced by T.
Protein change: p.Leu917=; no amino-acid change (leucine 917 retained).
Molecular consequence: synonymous variant.
Genome position (GRCh38, 1-based): chr2:27,459,414, G>A on the plus strand (C>T on the coding strand, the complement: IFT172 is on the minus strand). VCF-style: chr2-27459414-G-A. GRCh37 (hg19) VCF-style: chr2-27682281-G-A.
Other names: c.2751C>T (NM_015662.2).
Identifiers: ClinVar variation 1645149 (VCV001645149.9), dbSNP rs777958898, ClinGen allele CA1580203.
Genomic context (GRCh38, chr2:27,459,414, plus strand): 5'-CTGCGGAAAGGGACTCTTCCTCACCTCATACTCCTGCAGGGATGCATAGTGTTGGGCCAC[G>A]AGAGGATAGTATTTGGATGCAGTGTTCCGGTCCTGTAGATCTAATATATAAATTGCCTTC-3'
Protein context (NP_056477.1, residues 907-927): DRNTASKYYP[Leu917=]VAQHYASLQE